The following is an entry in ClinVar:

NM_006424.3(SLC34A2):c.964T>C (p.Cys322Arg)

Gene: SLC34A2 (solute carrier family 34 member 2; plus strand). Cytogenetic location: 4p15.2.
Variant type: single nucleotide variant.
Coding change: c.964T>C on transcript NM_006424.3 (MANE Select); coding-DNA position 964, T replaced by C.
Protein change: p.Cys322Arg; replaces cysteine 322 with arginine.
Molecular consequence: missense variant.
Genome position (GRCh38, 1-based): chr4:25,671,637, T>C. VCF-style: chr4-25671637-T-C. GRCh37 (hg19) VCF-style: chr4-25673259-T-C.
Other names: c.961T>C, p.Cys321Arg (NM_001177998.2, NM_001177999.2); short protein forms C321R, C322R.
Identifiers: ClinVar variation 2461966 (VCV002461966.4), dbSNP rs74775366, ClinGen allele CA2879645.

ClinVar aggregate classification (germline): Uncertain significance. Review status: criteria provided, multiple submitters, no conflicts (2 of 4 stars). 2 submissions from 2 submitters: Uncertain significance (2). Last evaluated 2025-08-14.

Conditions:
Inborn genetic diseases. Identifiers: MedGen C0950123, MeSH D030342.

Allele frequency attached by ClinVar (database versions not stated): TOPMed 0.00021; ESP Exome Variant Server 0.00023; gnomAD 0.00020; gnomAD exomes 0.00024; ExAC 0.00025.
gnomAD v4.1: 380 of 1,614,068 alleles (0.024%); highest among the groups gnomAD compares: Non-Finnish European, 0.03%; no homozygotes.

Submissions (2):

GeneDx
Classification: Uncertain significance. Last evaluated: 2025-08-14. Review status: criteria provided, single submitter. Criteria: GeneDx Variant Classification Process June 2021. Collection method: clinical testing. Allele origin: germline. Affected: yes.
Comment: In silico analysis supports that this missense variant has a deleterious effect on protein structure/function; Has not been previously published as pathogenic or benign to our knowledge

Ambry Genetics
Classification: Uncertain significance for Inborn genetic diseases. Last evaluated: 2025-02-17. Review status: criteria provided, single submitter. Criteria: Ambry Variant Classification Scheme 2023. Collection method: clinical testing. Allele origin: germline.